The following is an entry in ClinVar:

NM_003242.6(TGFBR2):c.620G>A (p.Arg207Gln)

Gene: TGFBR2 (transforming growth factor beta receptor 2; plus strand). Cytogenetic location: 3p24.1.
Variant type: single nucleotide variant.
Coding change: c.620G>A on transcript NM_003242.6 (MANE Select); coding-DNA position 620, G replaced by A.
Protein change: p.Arg207Gln; replaces arginine 207 with glutamine.
Molecular consequence: missense variant.
Genome position (GRCh38, 1-based): chr3:30,671,803, G>A. VCF-style: chr3-30671803-G-A. GRCh37 (hg19) VCF-style: chr3-30713295-G-A.
Other names: c.695G>A, p.Arg232Gln (NM_001024847.3); c.803G>A, p.Arg268Gln (NM_001407126.1); c.728G>A, p.Arg243Gln (NM_001407127.1); c.647G>A, p.Arg216Gln (NM_001407128.1); c.623G>A, p.Arg208Gln (NM_001407129.1); c.620G>A, p.Arg207Gln (NM_001407130.1); c.515G>A, p.Arg172Gln (NM_001407132.1, NM_001407133.1, NM_001407134.1 and 2 more transcripts); c.335G>A, p.Arg112Gln (NM_001407137.1); and 1 more; short protein forms R232Q, R207Q, R112Q, R243Q, R172Q, R216Q, R208Q, R268Q.
Identifiers: ClinVar variation 628340 (VCV000628340.58), dbSNP rs371209879, ClinGen allele CA049422.

ClinVar aggregate classification (germline): Conflicting classifications of pathogenicity. Review status: criteria provided, conflicting classifications (1 of 4 stars). 10 submissions from 10 submitters: Uncertain significance (8); Likely benign (2). Last evaluated 2026-09-15.

Conditions:
Loeys-Dietz syndrome 2 (LDS2). Also called: Marfan syndrome, type 2 (formerly); Marfan Syndrome type 2; Marfan like connective tissue disorder; MFS 2; TGFBR2-Related Loeys-Dietz Syndrome; AORTIC ANEURYSM, FAMILIAL THORACIC 3. Identifiers: Orphanet 284973, Orphanet 558, MedGen C2674574, MONDO:0012427, OMIM 610168.
Malignant tumor of esophagus. Also called: Esophageal cancer, somatic; Esophageal cancer. Identifiers: Orphanet 99977, MedGen C0546837, MONDO:0007576, OMIM 133239.
Colorectal cancer, hereditary nonpolyposis, type 6. Also called: Colon cancer, hereditary nonpolyposis, type 6; Colon cancer, hereditary nonpolyposis, type 6, somatic. Identifiers: Orphanet 144, MedGen C1860896, MONDO:0013695, OMIM 614331.
Familial thoracic aortic aneurysm and aortic dissection (TAAD). Also called: Thoracic aortic aneurysms and dissections. Identifiers: Orphanet 91387, MedGen C4707243, MONDO:0019625.
TGFBR2-related disorder. Also called: TGFBR2-related condition.

Allele frequency attached by ClinVar (database versions not stated): ExAC 0.00002; gnomAD exomes 0.00002 and 0.00007; gnomAD 0.00003 and 0.00004; TOPMed 0.00003; ESP Exome Variant Server 0.00008.
gnomAD v4.1: 97 of 1,614,070 alleles (0.006%); highest among the groups gnomAD compares: Non-Finnish European, 0.008%; no homozygotes.

Submissions (10):

PreventionGenetics, part of Exact Sciences
Classification: Uncertain significance for TGFBR2-related condition. Last evaluated: 2026-09-15. Review status: criteria provided, single submitter. Criteria: ACMG Guidelines, 2015. Collection method: clinical testing. Allele origin: germline.
Comment: The TGFBR2 c.620G>A variant is predicted to result in the amino acid substitution p.Arg207Gln. To our knowledge, this variant has not been reported in the literature. This variant is reported in 0.0047% of alleles in individuals of European (Non-Finnish) descent in gnomAD. At this time, the clinical significance of this variant is uncertain due to the absence of conclusive functional and genetic evidence.

Labcorp Genetics (formerly Invitae), Labcorp
Classification: Uncertain significance for Familial thoracic aortic aneurysm and aortic dissection. Last evaluated: 2026-02-01. Review status: criteria provided, single submitter. Criteria: Invitae Variant Classification Sherloc (09022015). Collection method: clinical testing. Allele origin: germline.
Comment: This sequence change replaces arginine, which is basic and polar, with glutamine, which is neutral and polar, at codon 207 of the TGFBR2 protein (p.Arg207Gln). This variant is present in population databases (rs371209879, gnomAD 0.005%). This variant has not been reported in the literature in individuals affected with TGFBR2-related conditions. ClinVar contains an entry for this variant (Variation ID: 628340). Invitae Evidence Modeling of protein sequence and biophysical properties (such as structural, functional, and spatial information, amino acid conservation, physicochemical variation, residue mobility, and thermodynamic stability) indicates that this missense variant is not expected to disrupt TGFBR2 protein function with a negative predictive value of 95%. In summary, the available evidence is currently insufficient to determine the role of this variant in disease. Therefore, it has been classified as a Variant of Uncertain Significance.

GeneDx
Classification: Uncertain significance. Last evaluated: 2025-12-27. Review status: criteria provided, single submitter. Criteria: GeneDx Variant Classification Process June 2021. Collection method: clinical testing. Allele origin: germline. Affected: yes.
Comment: Has not been previously published as pathogenic or benign to our knowledge; In silico analysis suggests that this missense variant does not alter protein structure/function

Ambry Genetics
Classification: Uncertain significance for Familial thoracic aortic aneurysm and aortic dissection. Last evaluated: 2025-04-12. Review status: criteria provided, single submitter. Criteria: Ambry Variant Classification Scheme 2023. Collection method: clinical testing. Allele origin: germline.
Comment: The p.R207Q variant (also known as c.620G>A), located in coding exon 4 of the TGFBR2 gene, results from a G to A substitution at nucleotide position 620. The arginine at codon 207 is replaced by glutamine, an amino acid with highly similar properties. This amino acid position is not well conserved in available vertebrate species, and glutamine is the reference amino acid in other vertebrate species. In addition, this alteration is predicted to be tolerated by in silico analysis. Since supporting evidence is limited at this time, the clinical significance of this alteration remains unclear.

Color Diagnostics, LLC DBA Color Health
Classification: Likely benign for Familial thoracic aortic aneurysm and aortic dissection. Last evaluated: 2024-09-23. Review status: criteria provided, single submitter. Criteria: ACMG Guidelines, 2015. Collection method: clinical testing. Allele origin: germline.

ARUP Laboratories, Molecular Genetics and Genomics, ARUP Laboratories
Classification: Uncertain significance. Last evaluated: 2024-05-29. Review status: criteria provided, single submitter. Criteria: ARUP Molecular Germline Variant Investigation Process 2024. Collection method: clinical testing. Allele origin: germline.
Comment: The TGFBR2 c.620G>A; p.Arg207Gln variant (rs371209879), to our knowledge, is not reported in the medical literature but is reported in ClinVar (Variation ID: 628340). This variant is observed in the general population with an overall allele frequency of 0.003% (7/282504 alleles) in the Genome Aggregation Database (v2.1.1). Computational analyses are uncertain whether this variant is neutral or deleterious (REVEL: 0.255). Due to limited information, the clinical significance of this variant is uncertain at this time.

All of Us Research Program, National Institutes of Health
Classification: Uncertain significance for Loeys-Dietz syndrome 2. Last evaluated: 2023-11-30. Review status: criteria provided, single submitter. Criteria: ACMG Guidelines, 2015. Collection method: clinical testing. Allele origin: germline. Inheritance: Autosomal dominant inheritance. Observed: 7 variant alleles, 7 heterozygotes.
Comment: Variant of Uncertain Significance due to insufficient evidence: This missense variant is located in the N-terminal cytoplasmic domain of the TGFBR2 protein. Computational prediction tools and conservation analyses suggest that this variant may not impact the protein function. Computational splicing tools suggest that this variant may not impact RNA splicing. To our knowledge, functional assays have not been performed for this variant nor has the variant been reported in individuals affected with cardiovascular disorders in the literature. This variant has been identified in 6/276858 chromosomes in the general population by the Genome Aggregation Database (gnomAD). Available evidence is insufficient to determine the pathogenicity of this variant conclusively.

This study involves interpretation of variants in research participants for the purpose of population health screening. Participant phenotype was not available at the time of variant classification. Additional details can be found in publication PMID: 35346344, PMCID: PMC8962531

Women's Health and Genetics/Laboratory Corporation of America, LabCorp
Classification: Uncertain significance. Last evaluated: 2023-10-31. Review status: criteria provided, single submitter. Criteria: LabCorp Variant Classification Summary - May 2015. Collection method: clinical testing. Allele origin: germline.
Comment: Variant summary: TGFBR2 c.620G>A (p.Arg207Gln) results in a conservative amino acid change in the encoded protein sequence. Five of five in-silico tools predict a benign effect of the variant on protein function. The variant allele was found at a frequency of 2.4e-05 in 251098 control chromosomes. The available data on variant occurrences in the general population are insufficient to allow any conclusion about variant significance. To our knowledge, no occurrence of c.620G>A in individuals affected with Loeys-Dietz Syndrome and no experimental evidence demonstrating its impact on protein function have been reported. Five submitters have cited clinical-significance assessments for this variant to ClinVar after 2014. All submitters classified the variant as uncertain significance. Based on the evidence outlined above, the variant was classified as uncertain significance.

CeGaT Center for Human Genetics Tuebingen
Classification: Likely benign. Last evaluated: 2023-08-01. Review status: criteria provided, single submitter. Criteria: CeGaT Center For Human Genetics Tuebingen Variant Classification Criteria Version 2. Collection method: clinical testing. Allele origin: germline. Affected: yes. Observed: 1 variant allele.
Comment: TGFBR2: BP4

Fulgent Genetics
Classification: Uncertain significance for Malignant tumor of esophagus; Loeys-Dietz syndrome 2; Colorectal cancer, hereditary nonpolyposis, type 6. Last evaluated: 2021-07-08. Review status: criteria provided, single submitter. Criteria: ACMG Guidelines, 2015. Collection method: clinical testing. Allele origin: unknown.